The following is an entry in ClinVar:

NM_001387430.1(SH2B1):c.1898-252G>C

Gene: SH2B1 (SH2B adaptor protein 1; plus strand). Cytogenetic location: 16p11.2.
Variant type: single nucleotide variant.
Coding change: c.1898-252G>C on transcript NM_001387430.1 (MANE Select); 252 bases into the intron before coding-DNA position 1898, G replaced by C.
Molecular consequence: intron variant. On other transcripts: synonymous variant (4), missense variant (1).
Genome position (GRCh38, 1-based): chr16:28,873,195, G>C. VCF-style: chr16-28873195-G-C. GRCh37 (hg19) VCF-style: chr16-28884516-G-C.
Other names: c.1923G>C, p.Ala641= (NM_001145796.2, NM_001145812.2, NM_015503.3); c.1976G>C, p.Arg659Pro (NM_001145797.2); c.915G>C, p.Ala305= (NM_001308294.2); c.1898-252G>C (NM_001308293.2, NM_001387404.1, NM_001145795.2); short protein forms R659P.
Identifiers: ClinVar variation 4979530 (VCV004979530.1).

ClinVar aggregate classification (germline): Uncertain significance (1 of 4 stars; one submission).

Conditions:
SH2B1-related disorder. Also called: SH2B1-related condition.

Submission:

PreventionGenetics, part of Exact Sciences
Classification: Uncertain significance for SH2B1-related condition. Last evaluated: 2026-08-04. Review status: criteria provided, single submitter. Criteria: ACMG Guidelines, 2015. Collection method: clinical testing. Allele origin: germline.
Comment: The SH2B1 c.1976G>C variant is predicted to result in the amino acid substitution p.Arg659Pro. To our knowledge, this variant has not been reported in the literature or in a large population database (gnomAD), indicating this variant is rare. At this time, the clinical significance of this variant is uncertain due to the absence of conclusive functional and genetic evidence.